The following is an entry in ClinVar:

ClinVar aggregate classification (germline): Pathogenic/Likely pathogenic. Review status: criteria provided, multiple submitters, no conflicts (2 of 4 stars). 7 submissions from 7 submitters: Pathogenic (4); Likely pathogenic (2). 1 of the submissions does not count toward it. Last evaluated 2026-01-25.

Conditions:
ABCA4-related disorder. Also called: ABCA4-related condition; ABCA4-related disorders. Identifiers: MedGen CN239167.
Stargardt disease (FFM). Also called: Stargardt's disease; Fundus flavimaculatus. Identifiers: Orphanet 827, MedGen C0271093, MONDO:0019353.
Age related macular degeneration 2. Also called: MACULAR DEGENERATION, SENILE; MACULOPATHY, AGE-RELATED, 2; MACULOPATHY, AGE-RELATED. Identifiers: MedGen C3495438, MONDO:0007932, OMIM 153800.

Allele frequency attached by ClinVar (database versions not stated): gnomAD 0.00001; gnomAD exomes 0.00001; TOPMed 0.00001.

Submissions (7):

Labcorp Genetics (formerly Invitae), Labcorp
Classification: Pathogenic. Last evaluated: 2026-01-25. Review status: criteria provided, single submitter. Criteria: Invitae Variant Classification Sherloc (09022015). Collection method: clinical testing. Allele origin: germline.
Comment: This sequence change replaces proline, which is neutral and non-polar, with leucine, which is neutral and non-polar, at codon 143 of the ABCA4 protein (p.Pro143Leu). This variant is present in population databases (rs62646860, gnomAD 0.003%). This missense change has been observed in individuals with ABCA4-related conditions (PMID: 14517951, 25412400, 29178665, 29854428). ClinVar contains an entry for this variant (Variation ID: 99273). Invitae Evidence Modeling of protein sequence and biophysical properties (such as structural, functional, and spatial information, amino acid conservation, physicochemical variation, residue mobility, and thermodynamic stability) indicates that this missense variant is expected to disrupt ABCA4 protein function with a positive predictive value of 95%. For these reasons, this variant has been classified as Pathogenic.

PreventionGenetics, part of Exact Sciences
Classification: Pathogenic for ABCA4-related condition. Last evaluated: 2025-08-14. Review status: criteria provided, single submitter. Criteria: ACMG Guidelines, 2015. Collection method: clinical testing. Allele origin: germline.
Comment: The ABCA4 c.428C>T variant is predicted to result in the amino acid substitution p.Pro143Leu. This variant has been reported in the homozygous and compound heterozygous states in individuals with inherited retinal disease (Table S7, Consugar et al. 2015. PubMed ID: 25412400; Table S1, Del Pozo-Valero et al. 2020. PubMed ID: 32619608; Table S2, Falsini et al. 2022. PubMed ID: 35260635; Table S1, Karali et al. 2022. PubMed ID: 36460718). One study used the frequency of this variant in patients versus the general population to categorize this variant as having moderate severity (Table S2A, Cornelis et al. 2022. PubMed ID: 35120629). This variant is reported in 0.0028% of alleles in individuals of Latino descent in gnomAD. Given the evidence, we interpret this variant as pathogenic.

Blueprint Genetics
Classification: Pathogenic for ABCA4-related disorders. Last evaluated: 2023-09-22. Review status: criteria provided, single submitter. Criteria: ACMG Guidelines, 2015. Collection method: clinical testing. Allele origin: germline. Affected: yes. Observed: 5 variant alleles.

Women's Health and Genetics/Laboratory Corporation of America, LabCorp
Classification: Pathogenic for Stargardt disease. Last evaluated: 2023-08-29. Review status: criteria provided, single submitter. Criteria: LabCorp Variant Classification Summary - May 2015. Collection method: clinical testing. Allele origin: germline.
Comment: Variant summary: ABCA4 c.428C>T (p.Pro143Leu) results in a non-conservative amino acid change in the encoded protein sequence. Four of five in-silico tools predict a damaging effect of the variant on protein function. The variant allele was found at a frequency of 8e-06 in 251456 control chromosomes. c.428C>T has been reported in the literature in multiple individuals affected with Stargardt Disease (e.g. Abed_2018, DelPozo_2022, Ibanez_2021, Jaakson_2003, Smaragda_2018) and Cone Dystrophy (Consugar_2015). These data indicate that the variant is very likely to be associated with disease. To our knowledge, no experimental evidence demonstrating an impact on protein function has been reported. The following publications have been ascertained in the context of this evaluation (PMID: 25412400, 35119454, 33369172, 14517951, 29854428, 29178665).Three submitters have cited clinical-significance assessments for this variant to ClinVar after 2014. All submitters classified the variant as pathogenic/likely pathogenic. Based on the evidence outlined above, the variant was classified as pathogenic.

Centre for Mendelian Genomics, University Medical Centre Ljubljana
Classification: Likely pathogenic for Age related macular degeneration 2. Last evaluated: 2019-09-05. Review status: criteria provided, single submitter. Criteria: ACMG Guidelines, 2015. Collection method: clinical testing. Allele origin: unknown. Affected: yes.
Comment: This variant was classified as: Likely pathogenic. The following ACMG criteria were applied in classifying this variant: PM1,PM2,PP3,PP5.

Eurofins Ntd Llc (ga)
Classification: Likely pathogenic. Last evaluated: 2017-09-13. Review status: criteria provided, single submitter. Criteria: EGL Classification Definitions 2015. Collection method: clinical testing. Allele origin: germline. Observed: 2 variant alleles, 2 heterozygotes.

Retina International
No classification provided. Review status: no classification provided. Collection method: not provided. Allele origin: not provided. Not counted in ClinVar's aggregate classification.

Literature cited by the submitters: PubMed 14517951 (cited by 3 submitters); PubMed 25412400 (cited by 3 submitters); PubMed 29178665 (cited by Labcorp Genetics (formerly Invitae), Labcorp and Women's Health and Genetics/Laboratory Corporation of America, LabCorp); PubMed 29854428 (cited by Labcorp Genetics (formerly Invitae), Labcorp and Women's Health and Genetics/Laboratory Corporation of America, LabCorp); PubMed 35119454 (cited by Women's Health and Genetics/Laboratory Corporation of America, LabCorp); PubMed 33369172 (cited by Women's Health and Genetics/Laboratory Corporation of America, LabCorp).

NM_000350.3(ABCA4):c.428C>T (p.Pro143Leu)

Gene: ABCA4 (ATP binding cassette subfamily A member 4; minus strand). Cytogenetic location: 1p22.1.
Variant type: single nucleotide variant.
Coding change: c.428C>T on transcript NM_000350.3 (MANE Select); coding-DNA position 428, C replaced by T.
Protein change: p.Pro143Leu; replaces proline 143 with leucine.
Molecular consequence: missense variant.
Genome position (GRCh38, 1-based): chr1:94,108,591, G>A on the plus strand (C>T on the coding strand, the complement: ABCA4 is on the minus strand). VCF-style: chr1-94108591-G-A. GRCh37 (hg19) VCF-style: chr1-94574147-G-A.
Other names: c.428C>T, p.Pro143Leu (NM_001425324.1); short protein forms P143L.
Identifiers: ClinVar variation 99273 (VCV000099273.17), dbSNP rs62646860, ClinGen allele CA227179.
Genomic context (GRCh38, chr1:94,108,591, plus strand): 5'-CATAGGTGAGGGAAATGATGCTTGAGAGCACTGCAGTCATGCTTACCTGCAATTCTCTCC[G>A]GGTGAGTCCGGAGGGTGTCCATGAATTGGGACAAGATGTGTAGCTCTGTCCAAATACGGC-3'
Protein context (NP_000341.2, residues 133-153): SQFMDTLRTH[Pro143Leu]ERIAGRGIRI